The following is an entry in ClinVar:

NM_017763.6(RNF43):c.1878A>T (p.Pro626=)

Gene: RNF43 (ring finger protein 43; minus strand). Cytogenetic location: 17q22.
Variant type: single nucleotide variant.
Coding change: c.1878A>T on transcript NM_017763.6 (MANE Select); coding-DNA position 1878, A replaced by T.
Protein change: p.Pro626=; no amino-acid change (proline 626 retained).
Molecular consequence: synonymous variant.
Genome position (GRCh38, 1-based): chr17:58,357,898, T>A on the plus strand (A>T on the coding strand, the complement: RNF43 is on the minus strand). VCF-style: chr17-58357898-T-A. GRCh37 (hg19) VCF-style: chr17-56435259-T-A.
Other names: c.1878A>T, p.Pro626= (NM_001305544.3); c.1497A>T, p.Pro499= (NM_001305545.2).
Identifiers: ClinVar variation 1130625 (VCV001130625.11), dbSNP rs1001283524, ClinGen allele CA292030601.

ClinVar aggregate classification (germline): Benign/Likely benign. Review status: criteria provided, multiple submitters, no conflicts (2 of 4 stars). 3 submissions from 3 submitters: Benign (1); Likely benign (2). Last evaluated 2026-07-02.

Conditions:
Sessile serrated polyposis cancer syndrome (SSPCS). Identifiers: Orphanet 157798, MedGen C4310714, MONDO:0014919, OMIM 617108.

Allele frequency attached by ClinVar (database versions not stated): gnomAD 0.00001; TOPMed 0.00003.
gnomAD v4.1: 2 of 1,612,838 alleles (0.00012%); highest among the groups gnomAD compares: African/African-American, 0.0013%; no homozygotes.

Submissions (3):

Myriad Genetics, Inc.
Classification: Benign for Sessile serrated polyposis cancer syndrome. Last evaluated: 2026-07-02. Review status: criteria provided, single submitter. Criteria: Myriad Autosomal Dominant, Autosomal Recessive and X-Linked Classification Criteria (2023). Collection method: clinical testing. Allele origin: unknown.
Comment: This variant is considered benign. This variant is a silent/synonymous amino acid change and it is not expected to impact splicing.

Ambry Genetics
Classification: Likely benign. Last evaluated: 2025-03-31. Review status: criteria provided, single submitter. Criteria: Ambry Variant Classification Scheme 2023. Collection method: clinical testing. Allele origin: germline.

Labcorp Genetics (formerly Invitae), Labcorp
Classification: Likely benign. Last evaluated: 2024-01-07. Review status: criteria provided, single submitter. Criteria: Invitae Variant Classification Sherloc (09022015). Collection method: clinical testing. Allele origin: germline.